The following is an entry in ClinVar:

NM_000138.5(FBN1):c.7532G>A (p.Cys2511Tyr)

Gene: FBN1 (fibrillin 1; minus strand). Cytogenetic location: 15q21.1.
Variant type: single nucleotide variant.
Coding change: c.7532G>A on transcript NM_000138.5 (MANE Select); coding-DNA position 7532, G replaced by A.
Protein change: p.Cys2511Tyr; replaces cysteine 2511 with tyrosine.
Molecular consequence: missense variant.
Genome position (GRCh38, 1-based): chr15:48,421,990, C>T on the plus strand (G>A on the coding strand, the complement: FBN1 is on the minus strand). VCF-style: chr15-48421990-C-T. GRCh37 (hg19) VCF-style: chr15-48714187-C-T.
Other names: short protein forms C2511Y.
Identifiers: ClinVar variation 527160 (VCV000527160.31), dbSNP rs1555394238, ClinGen allele CA392325908.

ClinVar aggregate classification (germline): Pathogenic/Likely pathogenic. Review status: criteria provided, multiple submitters, no conflicts (2 of 4 stars). 7 submissions from 7 submitters: Pathogenic (4); Likely pathogenic (2). 1 of the submissions does not count toward it. Last evaluated 2025-09-23.

Conditions:
Familial thoracic aortic aneurysm and aortic dissection (TAAD). Also called: Thoracic aortic aneurysms and dissections. Identifiers: Orphanet 91387, MedGen C4707243, MONDO:0019625.
Marfan syndrome (MFS). Also called: Marfan syndrome type 1; Marfan syndrome, classic; Marfan's syndrome; FBN1-Related Marfan Syndrome; MARFAN SYNDROME, TYPE I. Identifiers: Orphanet 284963, Orphanet 558, MedGen C0024796, MONDO:0007947, OMIM 154700.
FBN1-related disorder. Also called: FBN1-related disorders.

Submissions (7):

Labcorp Genetics (formerly Invitae), Labcorp
Classification: Pathogenic for Marfan syndrome; Familial thoracic aortic aneurysm and aortic dissection. Last evaluated: 2025-09-23. Review status: criteria provided, single submitter. Criteria: Invitae Variant Classification Sherloc (09022015). Collection method: clinical testing. Allele origin: germline.
Comment: This sequence change replaces cysteine, which is neutral and slightly polar, with tyrosine, which is neutral and polar, at codon 2511 of the FBN1 protein (p.Cys2511Tyr). This variant is not present in population databases (gnomAD no frequency). This missense change has been observed in individuals with clinical features of FBN1-related conditions (PMID: 10533071, 31730815; internal data). ClinVar contains an entry for this variant (Variation ID: 527160). Invitae Evidence Modeling of protein sequence and biophysical properties (such as structural, functional, and spatial information, amino acid conservation, physicochemical variation, residue mobility, and thermodynamic stability) indicates that this missense variant is expected to disrupt FBN1 protein function with a positive predictive value of 95%. This variant affects a cysteine residue in the EGF-like, TGFBP or hybrid motif domains of FBN1. Cysteine residues are believed to be involved in intramolecular disulfide bridges and have been shown to be important for FBN1 protein structure (PMID: 16905551, 19349279). In addition, missense substitutions affecting cysteine residues within these domains are significantly overrepresented among patients with Marfan syndrome (PMID: 16571647, 17701892). For these reasons, this variant has been classified as Pathogenic.

Ambry Genetics
Classification: Pathogenic for Familial thoracic aortic aneurysm and aortic dissection. Last evaluated: 2025-08-28. Review status: criteria provided, single submitter. Criteria: Ambry Variant Classification Scheme 2023. Collection method: clinical testing. Allele origin: germline.
Comment: The c.7532G>A (p.C2511Y) alteration is located in exon 61 (coding exon 60) of the FBN1 gene. This alteration results from a G to A substitution at nucleotide position 7532, causing the cysteine (C) at amino acid position 2511 to be replaced by a tyrosine (Y). This variant was not reported in population-based cohorts in the Genome Aggregation Database (gnomAD). This variant was reported in individuals with features consistent with Marfan syndrome and related fibrillinopathies (Yuan, 1999; Mannucci, 2020; external communication). This amino acid position is highly conserved in available vertebrate species. The majority of FBN1 mutations identified to date have involved the substitution or generation of cysteine residues within cbEGF domains (Vollbrandt, 2004). Internal structural analysis indicates this alteration eliminates a disulfide bond critical for the structural integrity of the cbEGF39 domain (Ambry internal data). This alteration is predicted to be deleterious by in silico analysis. Based on the available evidence, this alteration is classified as pathogenic.

Blueprint Genetics
Classification: Likely pathogenic for FBN1-related disorders. Last evaluated: 2023-10-25. Review status: criteria provided, single submitter. Criteria: ACMG Guidelines, 2015. Collection method: clinical testing. Allele origin: germline. Affected: yes. Observed: 1 variant allele.

CHEO Genetics Diagnostic Laboratory, Children's Hospital of Eastern Ontario
Classification: Likely pathogenic for Familial thoracic aortic aneurysm and aortic dissection. Last evaluated: 2022-11-07. Review status: criteria provided, single submitter. Criteria: ACMG Guidelines, 2015. Collection method: clinical testing. Allele origin: germline.

Centre of Medical Genetics, University of Antwerp
Classification: Pathogenic for Marfan syndrome. Last evaluated: 2021-03-01. Review status: criteria provided, single submitter. Criteria: Submitter's publication. Collection method: research. Allele origin: unknown. Affected: yes.
Comment: PM2, PVS2, PP4

GeneDx
Classification: Pathogenic. Last evaluated: 2020-10-21. Review status: criteria provided, single submitter. Criteria: GeneDx Variant Classification Process June 2021. Collection method: clinical testing. Allele origin: germline. Affected: yes.
Comment: Reported in association with Marfan syndrome or FBN1-related disease (Yuan et al., 1999; Yang et al., 2014; Mannucci et al., 2019); Not observed in large population cohorts (Lek et al., 2016); In silico analysis, which includes protein predictors and evolutionary conservation, supports a deleterious effect; Affects a cysteine residue within a calcium-binding EGF-like domain of the FBN1 gene, which may affect disulfide bonding and is predicted to alter the structure and function of the protein; cysteine substitutions in the calcium-binding EGF-like domains represent the majority of pathogenic missense changes associated with FBN1-related disorders (Collod-Beroud et al., 2003); This variant is associated with the following publications: (PMID: 4750422, 3495735, 31730815, 10486319, 24941995, 10533071, 16677079, 16571647, 17701892)

Center for Medical Genetics Ghent, University of Ghent
Classification: Likely pathogenic for Marfan syndrome. Last evaluated: 2017-11-07. Review status: no assertion criteria provided. Collection method: clinical testing. Allele origin: germline. Affected: yes. Not counted in ClinVar's aggregate classification.

Literature cited by the submitters: PubMed 10533071 (cited by Labcorp Genetics (formerly Invitae), Labcorp and Ambry Genetics); PubMed 31730815 (cited by Labcorp Genetics (formerly Invitae), Labcorp and Ambry Genetics); PubMed 16905551 (cited by Labcorp Genetics (formerly Invitae), Labcorp); PubMed 19349279 (cited by Labcorp Genetics (formerly Invitae), Labcorp); PubMed 16571647 (cited by Labcorp Genetics (formerly Invitae), Labcorp); PubMed 17701892 (cited by Labcorp Genetics (formerly Invitae), Labcorp); PubMed 15161917 (cited by Ambry Genetics).